The following is an entry in ClinVar:

ClinVar aggregate classification (germline): Likely benign (1 of 4 stars; one submission).

Allele frequency attached by ClinVar (database versions not stated): gnomAD exomes below 0.00001.
gnomAD v4.1: 1 of 1,613,142 alleles (0.000062%); highest among the groups gnomAD compares: South Asian, 0.0011%; no homozygotes.

Submission:

CeGaT Center for Human Genetics Tuebingen
Classification: Likely benign. Last evaluated: 2022-06-01. Review status: criteria provided, single submitter. Criteria: CeGaT Center For Human Genetics Tuebingen Variant Classification Criteria Version 2. Collection method: clinical testing. Allele origin: germline. Affected: yes. Observed: 1 variant allele.
Comment: SCYL2: PM2:Supporting, BP4, BP7

NM_017988.6(SCYL2):c.666A>G (p.Leu222=)

Gene: SCYL2 (SCY1 like pseudokinase 2; plus strand). Cytogenetic location: 12q23.1.
Variant type: single nucleotide variant.
Coding change: c.666A>G on transcript NM_017988.6 (MANE Select); coding-DNA position 666, A replaced by G.
Protein change: p.Leu222=; no amino-acid change (leucine 222 retained).
Molecular consequence: synonymous variant.
Genome position (GRCh38, 1-based): chr12:100,312,467, A>G. VCF-style: chr12-100312467-A-G. GRCh37 (hg19) VCF-style: chr12-100706245-A-G.
Other names: c.666A>G, p.Leu222= (NM_001317784.2, NM_001330253.2, NM_001330254.2); c.147A>G, p.Leu49= (NM_001330256.2).
Identifiers: ClinVar variation 2643229 (VCV002643229.24), dbSNP rs2500084333, ClinGen allele CA481485113.
Genomic context (GRCh38, chr12:100,312,467, plus strand): 5'-CATGTAATTCCTTTTCTTACTACAGCCTAAATTTCCTTGTAAAGAATGGGACCCAAATTT[A>G]CCTTCATTGTGTCTTCCAAATCCTGAATATTTGGCTCCTGAATACATACTTTCTGTGAGC-3'
Protein context (NP_060458.3, residues 212-232): KFPCKEWDPN[Leu222=]PSLCLPNPEY